The following is an entry in ClinVar:

ClinVar aggregate classification (germline): Uncertain significance. Review status: criteria provided, multiple submitters, no conflicts (2 of 4 stars). 2 submissions from 2 submitters: Uncertain significance (2). Last evaluated 2025-06-05.

Conditions:
Autosomal recessive limb-girdle muscular dystrophy type 2Q (LGMDR17). Also called: MUSCULAR DYSTROPHY, LIMB-GIRDLE, AUTOSOMAL RECESSIVE 17. Identifiers: Orphanet 254361, MedGen C3150989, MONDO:0013390, OMIM 613723.
Epidermolysis bullosa simplex, Ogna type (EBS5A). Also called: Pidermolysis bullosa simplex 5A, Ogna type; EPIDERMOLYSIS BULLOSA SIMPLEX 5A, OGNA TYPE. Identifiers: Orphanet 79401, MedGen C0432317, MONDO:0007555, OMIM 131950.
Epidermolysis bullosa simplex 5B, with muscular dystrophy (EBS5B). Also called: EPIDERMOLYSIS BULLOSA SIMPLEX AND LIMB-GIRDLE MUSCULAR DYSTROPHY; Epidermolysis bullosa simplex with muscular dystrophy. Identifiers: Orphanet 257, MedGen C2931072, MONDO:0009181, OMIM 226670.
Epidermolysis bullosa simplex 5C, with pyloric atresia (EBS5C). Also called: Epidermolysis bullosa simplex with pyloric atresia; PLEC-Related Epidermolysis Bullosa with Pyloric Atresia; PLEC1-Related Epidermolysis Bullosa with Pyloric Atresia. Identifiers: Orphanet 158684, MedGen C2677349, MONDO:0012807, OMIM 612138.
Epidermolysis bullosa simplex with nail dystrophy (EBS5D). Identifiers: MedGen C4225309, MONDO:0014661, OMIM 616487.

Allele frequency attached by ClinVar (database versions not stated): gnomAD exomes 0.00001 and 0.00002; ExAC 0.00002; TOPMed 0.00004; gnomAD 0.00005 and 0.00006.
gnomAD v4.1: 28 of 1,570,720 alleles (0.0018%); highest among the groups gnomAD compares: East Asian, 0.021%; no homozygotes.

Submissions (2):

Revvity Omics, Revvity
Classification: Uncertain significance. Last evaluated: 2025-06-05. Review status: criteria provided, single submitter. Criteria: ACMG Guidelines, 2015. Collection method: clinical testing. Allele origin: germline.

Labcorp Genetics (formerly Invitae), Labcorp
Classification: Uncertain significance for Autosomal recessive limb-girdle muscular dystrophy type 2Q; Epidermolysis bullosa simplex, Ogna type; Epidermolysis bullosa simplex with nail dystrophy; Epidermolysis bullosa simplex 5C, with pyloric atresia; Epidermolysis bullosa simplex 5B, with muscular dystrophy. Last evaluated: 2024-06-17. Review status: criteria provided, single submitter. Criteria: Invitae Variant Classification Sherloc (09022015). Collection method: clinical testing. Allele origin: germline.
Comment: This sequence change replaces arginine, which is basic and polar, with glutamine, which is neutral and polar, at codon 1569 of the PLEC protein (p.Arg1569Gln). This variant is present in population databases (rs782773512, gnomAD 0.01%). This variant has not been reported in the literature in individuals affected with PLEC-related conditions. ClinVar contains an entry for this variant (Variation ID: 1517034). Advanced modeling of protein sequence and biophysical properties (such as structural, functional, and spatial information, amino acid conservation, physicochemical variation, residue mobility, and thermodynamic stability) performed at Invitae indicates that this missense variant is not expected to disrupt PLEC protein function with a negative predictive value of 80%. In summary, the available evidence is currently insufficient to determine the role of this variant in disease. Therefore, it has been classified as a Variant of Uncertain Significance.

NM_201384.3(PLEC):c.4625G>A (p.Arg1542Gln)

Gene: PLEC (plectin; minus strand). Cytogenetic location: 8q24.3.
Variant type: single nucleotide variant.
Coding change: c.4625G>A on transcript NM_201384.3 (MANE Select); coding-DNA position 4625, G replaced by A.
Protein change: p.Arg1542Gln; replaces arginine 1542 with glutamine.
Molecular consequence: missense variant.
Genome position (GRCh38, 1-based): chr8:143,925,304, C>T on the plus strand (G>A on the coding strand, the complement: PLEC is on the minus strand). VCF-style: chr8-143925304-C-T. GRCh37 (hg19) VCF-style: chr8-144999472-C-T.
Other names: c.4706G>A, p.Arg1569Gln (NM_000445.5); c.4583G>A, p.Arg1528Gln (NM_201378.4); c.4559G>A, p.Arg1520Gln (NM_201379.3); c.5036G>A, p.Arg1679Gln (NM_201380.4); c.4529G>A, p.Arg1510Gln (NM_201381.3); c.4625G>A, p.Arg1542Gln (NM_201382.4); c.4637G>A, p.Arg1546Gln (NM_201383.3); short protein forms R1569Q, R1510Q, R1520Q, R1528Q, R1546Q, R1679Q, R1542Q.
Identifiers: ClinVar variation 1517034 (VCV001517034.9), dbSNP rs782773512, ClinGen allele CA4926601.
Genomic context (GRCh38, chr8:143,925,304, plus strand): 5'-TGCCGCGCTCGCTCCACCTCGGCCTGCCGCAGGCGCCGCTCCGCCTCCTCCGCCTGCAGC[C>T]GCAGCTCCTCCAGGGCCTGCAGGGCCCGCTGCTTCTCGCGCGCCGCCTCGGCCTCGGCCT-3'
Protein context (NP_958786.1, residues 1532-1552): QRALQALEEL[Arg1542Gln]LQAEEAERRL